The following is an entry in ClinVar:

ClinVar aggregate classification (germline): Uncertain significance. Review status: criteria provided, multiple submitters, no conflicts (2 of 4 stars). 3 submissions from 3 submitters: Uncertain significance (3). Last evaluated 2024-05-02.

Conditions:
ITK-related disorder. Also called: ITK-related condition.
Lymphoproliferative syndrome 1 (LPFS1). Identifiers: Orphanet 238505, Orphanet 538963, MedGen C3552634, MONDO:0013081, OMIM 613011.

Allele frequency attached by ClinVar (database versions not stated): TOPMed 0.00001.
gnomAD v4.1: 27 of 1,613,974 alleles (0.0017%); highest among the groups gnomAD compares: East Asian, 0.0045%; no homozygotes.

Submissions (3):

Women's Health and Genetics/Laboratory Corporation of America, LabCorp
Classification: Uncertain significance. Last evaluated: 2024-05-02. Review status: criteria provided, single submitter. Criteria: LabCorp Variant Classification Summary - May 2015. Collection method: clinical testing. Allele origin: germline.
Comment: Variant summary: ITK c.287G>A (p.Arg96His) results in a non-conservative amino acid change located in the Pleckstrin homology domain (IPR001849) of the encoded protein sequence. Three of five in-silico tools predict a damaging effect of the variant on protein function. The variant allele was found at a frequency of 2e-05 in 251400 control chromosomes (gnomAD). The available data on variant occurrences in the general population are insufficient to allow any conclusion about variant significance. To our knowledge, no occurrence of c.287G>A in individuals affected with Lymphoproliferative Syndrome 1 and no experimental evidence demonstrating its impact on protein function have been reported. ClinVar contains an entry for this variant (Variation ID: 934494). Based on the evidence outlined above, the variant was classified as uncertain significance.

PreventionGenetics, part of Exact Sciences
Classification: Uncertain significance for ITK-related condition. Last evaluated: 2022-12-21. Review status: criteria provided, single submitter. Criteria: ACMG Guidelines, 2015. Collection method: clinical testing. Allele origin: germline.
Comment: The ITK c.287G>A variant is predicted to result in the amino acid substitution p.Arg96His. To our knowledge, this variant has not been reported in the literature. This variant is reported in 0.0054% of alleles in individuals of East Asian descent in gnomAD. At this time, the clinical significance of this variant is uncertain due to the absence of conclusive functional and genetic evidence.

Labcorp Genetics (formerly Invitae), Labcorp
Classification: Uncertain significance for Lymphoproliferative syndrome 1. Last evaluated: 2019-08-28. Review status: criteria provided, single submitter. Criteria: Invitae Variant Classification Sherloc (09022015). Collection method: clinical testing. Allele origin: germline.
Comment: In summary, the available evidence is currently insufficient to determine the role of this variant in disease. Therefore, it has been classified as a Variant of Uncertain Significance. Algorithms developed to predict the effect of missense changes on protein structure and function (SIFT, PolyPhen-2, Align-GVGD) all suggest that this variant is likely to be tolerated, but these predictions have not been confirmed by published functional studies and their clinical significance is uncertain. This variant has not been reported in the literature in individuals with ITK-related conditions. This variant is present in population databases (rs751865122, ExAC 0.003%). This sequence change replaces arginine with histidine at codon 96 of the ITK protein (p.Arg96His). The arginine residue is moderately conserved and there is a small physicochemical difference between arginine and histidine.

NM_005546.4(ITK):c.287G>A (p.Arg96His)

Gene: ITK (IL2 inducible T cell kinase; plus strand). Cytogenetic location: 5q33.3.
Variant type: single nucleotide variant.
Coding change: c.287G>A on transcript NM_005546.4 (MANE Select); coding-DNA position 287, G replaced by A.
Protein change: p.Arg96His; replaces arginine 96 with histidine.
Molecular consequence: missense variant.
Genome position (GRCh38, 1-based): chr5:157,211,330, G>A. VCF-style: chr5-157211330-G-A. GRCh37 (hg19) VCF-style: chr5-156638341-G-A.
Other names: short protein forms R96H.
Identifiers: ClinVar variation 934494 (VCV000934494.11), dbSNP rs751865122, ClinGen allele CA3532693.